The following is an entry in ClinVar:

NM_002609.4(PDGFRB):c.1243+4A>T

Gene: PDGFRB (platelet derived growth factor receptor beta; minus strand). Cytogenetic location: 5q32.
Variant type: single nucleotide variant.
Coding change: c.1243+4A>T on transcript NM_002609.4 (MANE Select); 4 bases into the intron after coding-DNA position 1243, A replaced by T.
Molecular consequence: intron variant.
Genome position (GRCh38, 1-based): chr5:150,131,975, T>A on the plus strand (A>T on the coding strand, the complement: PDGFRB is on the minus strand). VCF-style: chr5-150131975-T-A. GRCh37 (hg19) VCF-style: chr5-149511538-T-A.
Other names: c.1051+4A>T (NM_001355016.2); c.760+4A>T (NM_001355017.2).
Identifiers: ClinVar variation 708187 (VCV000708187.8), dbSNP rs573720818, ClinGen allele CA3508059.

ClinVar aggregate classification (germline): Benign/Likely benign. Review status: criteria provided, multiple submitters, no conflicts (2 of 4 stars). 3 submissions from 3 submitters: Benign (1); Likely benign (1). 1 of the submissions does not count toward it. Last evaluated 2024-08-29.

Conditions:
PDGFRB-related disorder. Also called: PDGFRB-related condition.
Skeletal overgrowth-craniofacial dysmorphism-hyperelastic skin-white matter lesions syndrome. Also called: SKELETAL OVERGROWTH WITH FACIAL DYSMORPHISM, HYPERELASTIC SKIN, WHITE MATTER LESIONS, AND NEUROLOGIC DETERIORATION; Kosaki overgrowth syndrome. Identifiers: Orphanet 477831, MedGen C4225270, MONDO:0014704, OMIM 616592.
Acroosteolysis-keloid-like lesions-premature aging syndrome. Also called: Premature aging syndrome, Penttinen type; Prematurely aged appearance, delayed bone maturation, acro-osteolysis, and brachydactyly; Progeroid syndrome, Penttinen type. Identifiers: Orphanet 363665, MedGen C1866182, MONDO:0011150, OMIM 601812.
Infantile myofibromatosis (IMF). Also called: Congenital generalized fibromatosis. Identifiers: Orphanet 2591, MedGen C0432284, MONDO:0016824.
Basal ganglia calcification, idiopathic, 4 (PFBC4). Also called: PRIMARY FAMILIAL BRAIN CALCIFICATION 4, AUTOSOMAL DOMINANT; Familial Idiopathic Basal Ganglia Calcification 4. Identifiers: Orphanet 1980, MedGen C3554321, MONDO:0014004, OMIM 615007.

Allele frequency attached by ClinVar (database versions not stated): TOPMed 0.00003; gnomAD 0.00017 and below 0.00001; ExAC 0.00083; gnomAD exomes 0.00037 and 0.00074; 1000 Genomes Project 0.00080; 1000 Genomes Project 30x 0.00094.
gnomAD v4.1: 513 of 1,481,744 alleles (0.035%); highest among the groups gnomAD compares: South Asian, 0.56%; 8 homozygotes.

Submissions (3):

Blueprint Genetics
Classification: Likely benign. Last evaluated: 2024-08-29. Review status: criteria provided, single submitter. Criteria: ACMG Guidelines, 2015. Collection method: clinical testing. Allele origin: germline.

Labcorp Genetics (formerly Invitae), Labcorp
Classification: Benign for Basal ganglia calcification, idiopathic, 4; Skeletal overgrowth-craniofacial dysmorphism-hyperelastic skin-white matter lesions syndrome; Infantile myofibromatosis; Acroosteolysis-keloid-like lesions-premature aging syndrome. Last evaluated: 2024-03-07. Review status: criteria provided, single submitter. Criteria: Invitae Variant Classification Sherloc (09022015). Collection method: clinical testing. Allele origin: germline.

PreventionGenetics, part of Exact Sciences
Classification: Likely benign for PDGFRB-related condition. Last evaluated: 2023-06-06. Review status: no assertion criteria provided. Collection method: clinical testing. Allele origin: germline. Not counted in ClinVar's aggregate classification.
Comment: This variant is classified as likely benign based on ACMG/AMP sequence variant interpretation guidelines (Richards et al. 2015 PMID: 25741868, with internal and published modifications).